The following is an entry in ClinVar:

NM_022916.6(VPS33A):c.1333C>A (p.His445Asn)

Gene: VPS33A (VPS33A core subunit of CORVET and HOPS complexes; minus strand). Cytogenetic location: 12q24.31.
Variant type: single nucleotide variant.
Coding change: c.1333C>A on transcript NM_022916.6 (MANE Select); coding-DNA position 1333, C replaced by A.
Protein change: p.His445Asn; replaces histidine 445 with asparagine.
Molecular consequence: missense variant.
Genome position (GRCh38, 1-based): chr12:122,235,893, G>T on the plus strand (C>A on the coding strand, the complement: VPS33A is on the minus strand). VCF-style: chr12-122235893-G-T. GRCh37 (hg19) VCF-style: chr12-122720440-G-T.
Other names: c.1300C>A, p.His434Asn (NM_001351018.2); c.1285C>A, p.His429Asn (NM_001351019.2); c.1012C>A, p.His338Asn (NM_001351020.2); short protein forms H338N, H429N, H445N, H434N.
Identifiers: ClinVar variation 1983976 (VCV001983976.2), dbSNP rs144105987, ClinGen allele CA6844348.
Genomic context (GRCh38, chr12:122,235,893, plus strand): 5'-TTGGGTAATTGTTTCTGCCCCCCGTCTGCGGTTTCAGCAGGCCGGCCTTCTCCAGGTTGT[G>T]TAAGGTCAATATGTGCTCATAGCCGTATGTCTGCAAGGGAAGTCATTTGGCCTTGATGTC-3'
Protein context (NP_075067.2, residues 435-455): TYGYEHILTL[His445Asn]NLEKAGLLKP

ClinVar aggregate classification (germline): Uncertain significance. Review status: criteria provided, multiple submitters, no conflicts (2 of 4 stars). 2 submissions from 2 submitters: Uncertain significance (2). Last evaluated 2022-12-28.

Allele frequency attached by ClinVar (database versions not stated): ExAC 0.00005; gnomAD 0.00009; 1000 Genomes Project 30x 0.00016; 1000 Genomes Project 0.00020.
gnomAD v4.1: 33 of 1,613,694 alleles (0.002%); highest among the groups gnomAD compares: African/African-American, 0.028%; no homozygotes.

Submissions (2):

Ambry Genetics
Classification: Uncertain significance. Last evaluated: 2022-12-28. Review status: criteria provided, single submitter. Criteria: Ambry Variant Classification Scheme 2023. Collection method: clinical testing. Allele origin: germline.

Labcorp Genetics (formerly Invitae), Labcorp
Classification: Uncertain significance. Last evaluated: 2022-07-18. Review status: criteria provided, single submitter. Criteria: Invitae Variant Classification Sherloc (09022015). Collection method: clinical testing. Allele origin: germline.
Comment: This sequence change replaces histidine, which is basic and polar, with asparagine, which is neutral and polar, at codon 445 of the VPS33A protein (p.His445Asn). The frequency data for this variant in the population databases is considered unreliable, as metrics indicate poor data quality at this position in the gnomAD database. This variant has not been reported in the literature in individuals affected with VPS33A-related conditions. Algorithms developed to predict the effect of missense changes on protein structure and function output the following: SIFT: "Tolerated"; PolyPhen-2: "Benign"; Align-GVGD: "Class C0". The asparagine amino acid residue is found in multiple mammalian species, which suggests that this missense change does not adversely affect protein function. In summary, the available evidence is currently insufficient to determine the role of this variant in disease. Therefore, it has been classified as a Variant of Uncertain Significance.